The following is an entry in ClinVar:

NM_004006.3(DMD):c.5134C>G (p.Gln1712Glu)

Gene: DMD (dystrophin; minus strand). Cytogenetic location: Xp21.1.
Variant type: single nucleotide variant.
Coding change: c.5134C>G on transcript NM_004006.3 (MANE Select); coding-DNA position 5134, C replaced by G.
Protein change: p.Gln1712Glu; replaces glutamine 1712 with glutamic acid.
Molecular consequence: missense variant.
Genome position (GRCh38, 1-based): chrX:32,364,602, G>C on the plus strand (C>G on the coding strand, the complement: DMD is on the minus strand). VCF-style: chrX-32364602-G-C. GRCh37 (hg19) VCF-style: chrX-32382719-G-C.
Other names: c.5110C>G, p.Gln1704Glu (NM_000109.4); c.5122C>G, p.Gln1708Glu (NM_004009.3); c.4765C>G, p.Gln1589Glu (NM_004010.3); c.1111C>G, p.Gln371Glu (NM_004011.4); c.1102C>G, p.Gln368Glu (NM_004012.4); short protein forms Q1704E, Q1708E, Q371E, Q1589E, Q1712E, Q368E.
Identifiers: ClinVar variation 2155764 (VCV002155764.3), dbSNP rs398123980, ClinGen allele CA412671453.

ClinVar aggregate classification (germline): Uncertain significance (1 of 4 stars; one submission).

Conditions:
Duchenne muscular dystrophy (DMD). Also called: MUSCULAR DYSTROPHY, PSEUDOHYPERTROPHIC PROGRESSIVE, DUCHENNE TYPE; Duchenne Muscular Dystrophy (DMD). Identifiers: Orphanet 98896, MedGen C0013264, MONDO:0010679, OMIM 310200.

Allele frequency attached by ClinVar (database versions not stated): gnomAD exomes below 0.00001.
gnomAD v4.1: 2 of 1,210,766 alleles (0.00017%); highest among the groups gnomAD compares: Admixed American, 0.0022%; no homozygotes.

Submission:

Labcorp Genetics (formerly Invitae), Labcorp
Classification: Uncertain significance for Duchenne muscular dystrophy. Last evaluated: 2024-07-13. Review status: criteria provided, single submitter. Criteria: Invitae Variant Classification Sherloc (09022015). Collection method: clinical testing. Allele origin: germline.
Comment: This sequence change replaces glutamine, which is neutral and polar, with glutamic acid, which is acidic and polar, at codon 1712 of the DMD protein (p.Gln1712Glu). This variant is present in population databases (no rsID available, gnomAD 0.004%). This variant has not been reported in the literature in individuals affected with DMD-related conditions. ClinVar contains an entry for this variant (Variation ID: 2155764). Advanced modeling of protein sequence and biophysical properties (such as structural, functional, and spatial information, amino acid conservation, physicochemical variation, residue mobility, and thermodynamic stability) performed at Invitae indicates that this missense variant is not expected to disrupt DMD protein function with a negative predictive value of 95%. In summary, the available evidence is currently insufficient to determine the role of this variant in disease. Therefore, it has been classified as a Variant of Uncertain Significance.